The following is an entry in ClinVar:

NM_000038.6(APC):c.645+116G>T

Gene: APC (APC regulator of WNT signaling pathway; plus strand). Cytogenetic location: 5q22.2.
Variant type: single nucleotide variant.
Coding change: c.645+116G>T on transcript NM_000038.6 (MANE Select); 116 bases into the intron after coding-DNA position 645, G replaced by T.
Molecular consequence: intron variant.
Genome position (GRCh38, 1-based): chr5:112,781,019, G>T. VCF-style: chr5-112781019-G-T. GRCh37 (hg19) VCF-style: chr5-112116716-G-T.
Other names: c.645+116G>T (NM_001354895.2, NM_001127510.3, NM_001354896.2 and 2 more transcripts); c.675+116G>T (NM_001354897.2, NM_001354902.2, NM_001127511.3); c.570+116G>T (NM_001354898.2, NM_001354904.2); c.-391+116G>T (NM_001354906.2); c.468+116G>T (NM_001354900.2, NM_001354901.2, NM_001354905.2).
Identifiers: ClinVar variation 82936 (VCV000082936.2), dbSNP rs77820839, ClinGen allele CA011194.

ClinVar aggregate classification (germline): other (0 of 4 stars; one submission).

Conditions:
Familial colorectal cancer. Identifiers: MedGen CN280943, MONDO:0023113. Disease mechanism: loss of function.

Submission:

Systems Biology Platform Zhejiang California International NanoSystems Institute
Classification: other for Familial colorectal cancer. Review status: no assertion criteria provided. Collection method: not provided. Allele origin: unknown.
ClinVar note: Converted during submission from cancer to other.